The following is an entry in ClinVar:

ClinVar aggregate classification (germline): Uncertain significance (1 of 4 stars; one submission).

Submission:

Labcorp Genetics (formerly Invitae), Labcorp
Classification: Uncertain significance. Last evaluated: 2026-01-13. Review status: criteria provided, single submitter. Criteria: Invitae Variant Classification Sherloc (09022015). Collection method: clinical testing. Allele origin: germline.
Comment: This sequence change replaces threonine, which is neutral and polar, with methionine, which is neutral and non-polar, at codon 181 of the CACNA1B protein (p.Thr181Met). This variant is present in population databases (rs368437421, gnomAD 0.007%). This variant has not been reported in the literature in individuals affected with CACNA1B-related conditions. Invitae Evidence Modeling of protein sequence and biophysical properties (such as structural, functional, and spatial information, amino acid conservation, physicochemical variation, residue mobility, and thermodynamic stability) indicates that this missense variant is not expected to disrupt CACNA1B protein function with a negative predictive value of 80%. In summary, the available evidence is currently insufficient to determine the role of this variant in disease. Therefore, it has been classified as a Variant of Uncertain Significance.

NM_000718.4(CACNA1B):c.542C>T (p.Thr181Met)

Gene: CACNA1B (calcium voltage-gated channel subunit alpha1 B; plus strand). Cytogenetic location: 9q34.3.
Variant type: single nucleotide variant.
Coding change: c.542C>T on transcript NM_000718.4 (MANE Select); coding-DNA position 542, C replaced by T.
Protein change: p.Thr181Met; replaces threonine 181 with methionine.
Molecular consequence: missense variant.
Genome position (GRCh38, 1-based): chr9:137,913,191, C>T. VCF-style: chr9-137913191-C-T. GRCh37 (hg19) VCF-style: chr9-140807643-C-T.
Other names: c.542C>T, p.Thr181Met (NM_001243812.2); short protein forms T181M.
Identifiers: ClinVar variation 4719710 (VCV004719710.1).